The following is an entry in ClinVar:

NM_001206927.2(DNAH8):c.5978C>T (p.Ser1993Leu)

Gene: DNAH8 (dynein axonemal heavy chain 8; plus strand). Cytogenetic location: 6p21.2.
Variant type: single nucleotide variant.
Coding change: c.5978C>T on transcript NM_001206927.2 (MANE Select); coding-DNA position 5978, C replaced by T.
Protein change: p.Ser1993Leu; replaces serine 1993 with leucine.
Molecular consequence: missense variant.
Genome position (GRCh38, 1-based): chr6:38,860,476, C>T. VCF-style: chr6-38860476-C-T. GRCh37 (hg19) VCF-style: chr6-38828252-C-T.
Other names: c.5327C>T, p.Ser1776Leu (NM_001371.4); short protein forms S1993L, S1776L.
Identifiers: ClinVar variation 582198 (VCV000582198.11), dbSNP rs747224041, ClinGen allele CA3789543.

ClinVar aggregate classification (germline): Uncertain significance. Review status: criteria provided, multiple submitters, no conflicts (2 of 4 stars). 2 submissions from 2 submitters: Uncertain significance (2). Last evaluated 2025-10-07.

Conditions:
Primary ciliary dyskinesia. Also called: Ciliary dyskinesia. Identifiers: Orphanet 244, MedGen C0008780, MONDO:0016575, HP:0012265.

Allele frequency attached by ClinVar (database versions not stated): gnomAD exomes below 0.00001 and 0.00001; TOPMed below 0.00001; gnomAD 0.00001; ExAC 0.00002.
gnomAD v4.1: 7 of 1,437,396 alleles (0.00049%); highest among the groups gnomAD compares: South Asian, 0.0083%; no homozygotes.

Submissions (2):

Ambry Genetics
Classification: Uncertain significance. Last evaluated: 2025-10-07. Review status: criteria provided, single submitter. Criteria: Ambry Variant Classification Scheme 2023. Collection method: clinical testing. Allele origin: germline.

Labcorp Genetics (formerly Invitae), Labcorp
Classification: Uncertain significance for Primary ciliary dyskinesia. Last evaluated: 2022-11-03. Review status: criteria provided, single submitter. Criteria: Invitae Variant Classification Sherloc (09022015). Collection method: clinical testing. Allele origin: germline.
Comment: In summary, the available evidence is currently insufficient to determine the role of this variant in disease. Therefore, it has been classified as a Variant of Uncertain Significance. Advanced modeling of protein sequence and biophysical properties (such as structural, functional, and spatial information, amino acid conservation, physicochemical variation, residue mobility, and thermodynamic stability) performed at Invitae indicates that this missense variant is not expected to disrupt DNAH8 protein function. ClinVar contains an entry for this variant (Variation ID: 582198). This variant has not been reported in the literature in individuals affected with DNAH8-related conditions. This variant is present in population databases (rs747224041, gnomAD 0.01%). This sequence change replaces serine, which is neutral and polar, with leucine, which is neutral and non-polar, at codon 1993 of the DNAH8 protein (p.Ser1993Leu).